The following is an entry in ClinVar:

NC_012920.1(MT-CYB):m.15434C>T

Gene: MT-CYB (mitochondrially encoded cytochrome b; plus strand).
Variant type: single nucleotide variant.
Genome position: chrM-15434-C-T.
Identifiers: ClinVar variation 693883 (VCV000693883.1), dbSNP rs1603225279, ClinGen allele CA913173861.

ClinVar aggregate classification (germline): Likely benign (1 of 4 stars; one submission).

Conditions:
Leigh syndrome (NULS). Also called: Leigh's necrotizing encephalopathy; Leigh's disease; Leigh's syndrome; LEIGH SYNDROME, NUCLEAR; Leigh Syndrome (mtDNA deletion); Leigh Disease. Identifiers: Orphanet 506, MedGen C2931891, MONDO:0009723, OMIM 256000.

Submission:

Wong Mito Lab, Molecular and Human Genetics, Baylor College of Medicine
Classification: Likely benign for Leigh syndrome. Last evaluated: 2019-10-17. Review status: criteria provided, single submitter. Criteria: Modified ACMG Guidelines (Unpublished). Collection method: clinical testing. Allele origin: germline.
Comment: The NC_012920.1:m.15434C>T (YP_003024038.1:p.Leu230Phe) variant in MTCYB gene is interpretated to be a Likely Benign variant based on the modified ACMG guidelines (unpublished). This variant meets the following evidence codes: BS1, BP6